The following is an entry in ClinVar:

NM_005052.3(RAC3):c.197G>A (p.Arg66Gln)

Gene: RAC3 (Rac family small GTPase 3; plus strand). Cytogenetic location: 17q25.3.
Variant type: single nucleotide variant.
Coding change: c.197G>A on transcript NM_005052.3 (MANE Select); coding-DNA position 197, G replaced by A.
Protein change: p.Arg66Gln; replaces arginine 66 with glutamine.
Molecular consequence: missense variant.
Genome position (GRCh38, 1-based): chr17:82,032,800, G>A. VCF-style: chr17-82032800-G-A. GRCh37 (hg19) VCF-style: chr17-79990676-G-A.
Other names: c.197G>A, p.Arg66Gln (NM_001316307.2); short protein forms R66Q.
Identifiers: ClinVar variation 3429397 (VCV003429397.2).

ClinVar aggregate classification (germline): Uncertain significance (1 of 4 stars; one submission).

Conditions:
Inborn genetic diseases. Identifiers: MedGen C0950123, MeSH D030342.

Submission:

Ambry Genetics
Classification: Uncertain significance for Inborn genetic diseases. Last evaluated: 2024-12-27. Review status: criteria provided, single submitter. Criteria: Ambry Variant Classification Scheme 2023. Collection method: clinical testing. Allele origin: germline.
Comment: The c.197G>A (p.R66Q) alteration is located in exon 3 (coding exon 3) of the RAC3 gene. This alteration results from a G to A substitution at nucleotide position 197, causing the arginine (R) at amino acid position 66 to be replaced by a glutamine (Q). This variant was not reported in population-based cohorts in the Genome Aggregation Database (gnomAD). Other variant(s) at the same codon, c.196C>T (p.R66W), have been identified in a fetus with features consistent with RAC3-related neurodevelopmental disorder (Cabet, 2022). This amino acid position is highly conserved in available vertebrate species. The in silico prediction for this alteration is inconclusive. Based on insufficient or conflicting evidence, the clinical significance of this alteration remains unclear.

Literature cited by the submitters: PubMed 35106783.